The following is an entry in ClinVar:

ClinVar aggregate classification (germline): Uncertain significance. Review status: criteria provided, multiple submitters, no conflicts (2 of 4 stars). 3 submissions from 3 submitters: Uncertain significance (3). Last evaluated 2024-11-07.

Conditions:
Hereditary sensory and autonomic neuropathy type 7. Also called: HSAN VII; Neuropathy, hereditary sensory and autonomic, type VII. Identifiers: Orphanet 391397, MedGen C3809882, MONDO:0014244, OMIM 615548.
Familial episodic pain syndrome with predominantly lower limb involvement. Also called: Episodic pain syndrome, familial, 3. Identifiers: Orphanet 391384, Orphanet 391392, MedGen C3809899, MONDO:0014247, OMIM 615552.
Inborn genetic diseases. Identifiers: MedGen C0950123, MeSH D030342.

Allele frequency attached by ClinVar (database versions not stated): gnomAD 0.00001; ExAC 0.00002; TOPMed 0.00002.
gnomAD v4.1: 10 of 1,613,868 alleles (0.00062%); highest among the groups gnomAD compares: South Asian, 0.0044%; no homozygotes.

Submissions (3):

GeneDx
Classification: Uncertain significance. Last evaluated: 2024-11-07. Review status: criteria provided, single submitter. Criteria: GeneDx Variant Classification Process June 2021. Collection method: clinical testing. Allele origin: germline. Affected: yes.
Comment: In silico analysis supports that this missense variant has a deleterious effect on protein structure/function; Has not been previously published as pathogenic or benign to our knowledge

Labcorp Genetics (formerly Invitae), Labcorp
Classification: Uncertain significance for Familial episodic pain syndrome with predominantly lower limb involvement; Hereditary sensory and autonomic neuropathy type 7. Last evaluated: 2024-07-15. Review status: criteria provided, single submitter. Criteria: Invitae Variant Classification Sherloc (09022015). Collection method: clinical testing. Allele origin: germline.
Comment: This sequence change replaces alanine, which is neutral and non-polar, with threonine, which is neutral and polar, at codon 1688 of the SCN11A protein (p.Ala1688Thr). This variant is present in population databases (rs748885752, gnomAD 0.006%). This variant has not been reported in the literature in individuals affected with SCN11A-related conditions. ClinVar contains an entry for this variant (Variation ID: 1745116). Advanced modeling of protein sequence and biophysical properties (such as structural, functional, and spatial information, amino acid conservation, physicochemical variation, residue mobility, and thermodynamic stability) performed at Invitae indicates that this missense variant is not expected to disrupt SCN11A protein function with a negative predictive value of 80%. In summary, the available evidence is currently insufficient to determine the role of this variant in disease. Therefore, it has been classified as a Variant of Uncertain Significance.

Ambry Genetics
Classification: Uncertain significance for Inborn genetic diseases. Last evaluated: 2020-08-08. Review status: criteria provided, single submitter. Criteria: Ambry Variant Classification Scheme 2023. Collection method: clinical testing. Allele origin: germline.
Comment: The p.A1688T variant (also known as c.5062G>A), located in coding exon 26 of the SCN11A gene, results from a G to A substitution at nucleotide position 5062. The alanine at codon 1688 is replaced by threonine, an amino acid with similar properties. This amino acid position is highly conserved in available vertebrate species. In addition, this alteration is predicted to be deleterious by in silico analysis. Since supporting evidence is limited at this time, the clinical significance of this alteration remains unclear.

NM_001349253.2(SCN11A):c.5062G>A (p.Ala1688Thr)

Gene: SCN11A (sodium voltage-gated channel alpha subunit 11; minus strand). Cytogenetic location: 3p22.2.
Variant type: single nucleotide variant.
Coding change: c.5062G>A on transcript NM_001349253.2 (MANE Select); coding-DNA position 5062, G replaced by A.
Protein change: p.Ala1688Thr; replaces alanine 1688 with threonine.
Molecular consequence: missense variant.
Genome position (GRCh38, 1-based): chr3:38,847,008, C>T on the plus strand (G>A on the coding strand, the complement: SCN11A is on the minus strand). VCF-style: chr3-38847008-C-T. GRCh37 (hg19) VCF-style: chr3-38888499-C-T.
Other names: c.5062G>A, p.Ala1688Thr (NM_014139.3); short protein forms A1688T.
Identifiers: ClinVar variation 1745116 (VCV001745116.5), dbSNP rs748885752, ClinGen allele CA2321409.